The following is an entry in ClinVar:

ClinVar aggregate classification (germline): Uncertain significance (1 of 4 stars; one submission).

Conditions:
2-aminoadipic 2-oxoadipic aciduria (AAKAD). Also called: Aminoadipic aciduria; ALPHA-AMINOADIPIC AND ALPHA-KETOADIPIC ACIDURIA. Identifiers: Orphanet 79154, MedGen C1859817, MONDO:0008774, OMIM 204750.

Allele frequency attached by ClinVar (database versions not stated): gnomAD exomes below 0.00001.
gnomAD v4.1: 3 of 1,614,238 alleles (0.00019%); highest among the groups gnomAD compares: Non-Finnish European, 0.00025%; no homozygotes.

Submission:

Labcorp Genetics (formerly Invitae), Labcorp
Classification: Uncertain significance for 2-aminoadipic 2-oxoadipic aciduria. Last evaluated: 2024-02-12. Review status: criteria provided, single submitter. Criteria: Invitae Variant Classification Sherloc (09022015). Collection method: clinical testing. Allele origin: germline.
Comment: This sequence change replaces glutamine, which is neutral and polar, with arginine, which is basic and polar, at codon 673 of the DHTKD1 protein (p.Gln673Arg). This variant is not present in population databases (gnomAD no frequency). This variant has not been reported in the literature in individuals affected with DHTKD1-related conditions. ClinVar contains an entry for this variant (Variation ID: 1443111). Advanced modeling of protein sequence and biophysical properties (such as structural, functional, and spatial information, amino acid conservation, physicochemical variation, residue mobility, and thermodynamic stability) performed at Invitae indicates that this missense variant is expected to disrupt DHTKD1 protein function with a positive predictive value of 80%. In summary, the available evidence is currently insufficient to determine the role of this variant in disease. Therefore, it has been classified as a Variant of Uncertain Significance.

NM_018706.7(DHTKD1):c.2018A>G (p.Gln673Arg)

Gene: DHTKD1 (dehydrogenase E1 and transketolase domain containing 1; plus strand). Cytogenetic location: 10p14.
Variant type: single nucleotide variant.
Coding change: c.2018A>G on transcript NM_018706.7 (MANE Select); coding-DNA position 2018, A replaced by G.
Protein change: p.Gln673Arg; replaces glutamine 673 with arginine.
Molecular consequence: missense variant.
Genome position (GRCh38, 1-based): chr10:12,106,367, A>G. VCF-style: chr10-12106367-A-G. GRCh37 (hg19) VCF-style: chr10-12148366-A-G.
Other names: short protein forms Q673R.
Identifiers: ClinVar variation 1443111 (VCV001443111.8), dbSNP rs1833247558, ClinGen allele CA376011655.